The following is an entry in ClinVar:

NM_003074.4(SMARCC1):c.-10_-9insCC

Genes: SMARCC1 (SWI/SNF related BAF chromatin remodeling complex subunit C1; minus strand), LOC112935944 (Sharpr-MPRA regulatory region 56; plus strand). Cytogenetic location: 3p21.31.
Variant type: Insertion.
Coding change: c.-10_-9insCC on transcript NM_003074.4 (MANE Select); 10 bases upstream of the start codon through 9 bases upstream of the start codon, CC inserted.
Molecular consequence: 5 prime UTR variant.
Genome position: GRCh38 VCF-style: chr3-47781806-C-CGG. GRCh37 (hg19) VCF-style: chr3-47823296-C-CGG.
Identifiers: ClinVar variation 3042633 (VCV003042633.2), dbSNP rs2549224375, ClinGen allele CA2740094369.

ClinVar aggregate classification (germline): Likely benign (0 of 4 stars; one submission).

Conditions:
SMARCC1-related disorder. Also called: SMARCC1-related condition.

Submission:

PreventionGenetics, part of Exact Sciences
Classification: Likely benign for SMARCC1-related condition. Last evaluated: 2019-03-04. Review status: no assertion criteria provided. Collection method: clinical testing. Allele origin: germline.
Comment: This variant is classified as likely benign based on ACMG/AMP sequence variant interpretation guidelines (Richards et al. 2015 PMID: 25741868, with internal and published modifications).